The following is an entry in ClinVar:

ClinVar aggregate classification (germline): Uncertain significance (1 of 4 stars; one submission).

Allele frequency attached by ClinVar (database versions not stated): TOPMed below 0.00001.
gnomAD v4.1: 2 of 1,614,064 alleles (0.00012%); highest among the groups gnomAD compares: South Asian, 0.0011%; no homozygotes.

Submission:

Labcorp Genetics (formerly Invitae), Labcorp
Classification: Uncertain significance. Last evaluated: 2023-10-02. Review status: criteria provided, single submitter. Criteria: Invitae Variant Classification Sherloc (09022015). Collection method: clinical testing. Allele origin: germline.
Comment: This sequence change replaces valine, which is neutral and non-polar, with phenylalanine, which is neutral and non-polar, at codon 293 of the NBAS protein (p.Val293Phe). This variant is not present in population databases (gnomAD no frequency). This variant has not been reported in the literature in individuals affected with NBAS-related conditions. ClinVar contains an entry for this variant (Variation ID: 1950109). Advanced modeling of protein sequence and biophysical properties (such as structural, functional, and spatial information, amino acid conservation, physicochemical variation, residue mobility, and thermodynamic stability) performed at Invitae indicates that this missense variant is not expected to disrupt NBAS protein function. In summary, the available evidence is currently insufficient to determine the role of this variant in disease. Therefore, it has been classified as a Variant of Uncertain Significance.

NM_015909.4(NBAS):c.877G>T (p.Val293Phe)

Gene: NBAS (NBAS subunit of NRZ tethering complex; minus strand). Cytogenetic location: 2p24.3.
Variant type: single nucleotide variant.
Coding change: c.877G>T on transcript NM_015909.4 (MANE Select); coding-DNA position 877, G replaced by T.
Protein change: p.Val293Phe; replaces valine 293 with phenylalanine.
Molecular consequence: missense variant. On other transcripts: non-coding transcript variant (1).
Genome position (GRCh38, 1-based): chr2:15,511,220, C>A on the plus strand (G>T on the coding strand, the complement: NBAS is on the minus strand). VCF-style: chr2-15511220-C-A. GRCh37 (hg19) VCF-style: chr2-15651344-C-A.
Other names: short protein forms V293F.
Identifiers: ClinVar variation 1950109 (VCV001950109.5), dbSNP rs1353268148, ClinGen allele CA345898353.